The following is an entry in ClinVar:

ClinVar aggregate classification (germline): Uncertain significance (1 of 4 stars; one submission).

Conditions:
Dyskeratosis congenita, autosomal dominant 1 (DKCA1). Also called: Dyskeratosis congenita Scoggins type. Identifiers: Orphanet 1775, MedGen C4551974, MONDO:0007485, OMIM 127550. Inheritance: Variable.

Submission:

Labcorp Genetics (formerly Invitae), Labcorp
Classification: Uncertain significance for Dyskeratosis congenita, autosomal dominant 1. Last evaluated: 2025-05-15. Review status: criteria provided, single submitter. Criteria: Invitae Variant Classification Sherloc (09022015). Collection method: clinical testing. Allele origin: germline.
Comment: This variant occurs in the TERC gene, which encodes an RNA molecule that does not result in a protein product. This variant is not present in population databases (gnomAD no frequency). This variant has not been reported in the literature in individuals affected with TERC-related conditions. This variant is located within the BoxH/ACA scaRNA domain of the TERC RNA component, which is required for telomerase activity (PMID: 21844345). In summary, the available evidence is currently insufficient to determine the role of this variant in disease. Therefore, it has been classified as a Variant of Uncertain Significance.

Literature cited by the submitters: PubMed 21844345.

NR_001566.3(TERC):n.435A>G

Gene: TERC (telomerase RNA component; minus strand). Cytogenetic location: 3q26.2.
Variant type: single nucleotide variant.
Molecular consequence: non-coding transcript variant (on NR_001566.3).
Genome position: GRCh38 VCF-style: chr3-169764626-T-C. GRCh37 (hg19) VCF-style: chr3-169482414-T-C.
Identifiers: ClinVar variation 4780223 (VCV004780223.1).